The following is an entry in ClinVar:

ClinVar aggregate classification (germline): Likely benign (1 of 4 stars; one submission).

gnomAD v4.1: 16 of 1,613,760 alleles (0.00099%); highest among the groups gnomAD compares: Admixed American, 0.0017%; no homozygotes.

Submission:

CeGaT Center for Human Genetics Tuebingen
Classification: Likely benign. Last evaluated: 2025-04-01. Review status: criteria provided, single submitter. Criteria: CeGaT Center For Human Genetics Tuebingen Variant Classification Criteria Version 2. Collection method: clinical testing. Allele origin: germline. Affected: yes. Observed: 1 variant allele.
Comment: KANK1: BP4, BP7

NM_015158.5(KANK1):c.3615C>T (p.Leu1205=)

Gene: KANK1 (KN motif and ankyrin repeat domains 1; plus strand). Cytogenetic location: 9p24.3.
Variant type: single nucleotide variant.
Coding change: c.3615C>T on transcript NM_015158.5 (MANE Select); coding-DNA position 3615, C replaced by T.
Protein change: p.Leu1205=; no amino-acid change (leucine 1205 retained).
Molecular consequence: synonymous variant. On other transcripts: non-coding transcript variant (1).
Genome position (GRCh38, 1-based): chr9:740,853, C>T. VCF-style: chr9-740853-C-T. GRCh37 (hg19) VCF-style: chr9-740853-C-T.
Other names: c.3615C>T, p.Leu1205= (NM_001256876.3, NM_001256877.3, NM_001354334.2); c.3375C>T, p.Leu1125= (NM_001354331.2); c.3561C>T, p.Leu1187= (NM_001354332.2); c.3141C>T, p.Leu1047= (NM_001354333.2, NM_001354335.2, NM_001354337.2 and 2 more transcripts); c.2847C>T, p.Leu949= (NM_001354336.2); c.3087C>T, p.Leu1029= (NM_001354338.2, NM_001354340.2, NM_001354344.2); c.2901C>T, p.Leu967= (NM_001354339.2, NM_001354342.2, NM_001354343.2).
Identifiers: ClinVar variation 3778026 (VCV003778026.7).